The following is an entry in ClinVar:

ClinVar aggregate classification (germline): Uncertain significance (1 of 4 stars; one submission).

Conditions:
Alstrom syndrome (ALMS). Identifiers: Orphanet 64, MedGen C0268425, MONDO:0008763, OMIM 203800.

Submission:

Labcorp Genetics (formerly Invitae), Labcorp
Classification: Uncertain significance for Alstrom syndrome. Last evaluated: 2022-07-19. Review status: criteria provided, single submitter. Criteria: Invitae Variant Classification Sherloc (09022015). Collection method: clinical testing. Allele origin: germline.
Comment: This variant has not been reported in the literature in individuals affected with ALMS1-related conditions. In summary, the available evidence is currently insufficient to determine the role of this variant in disease. Therefore, it has been classified as a Variant of Uncertain Significance. Experimental studies and prediction algorithms are not available or were not evaluated, and the functional significance of this variant is currently unknown. This variant is not present in population databases (gnomAD no frequency). This sequence change replaces leucine, which is neutral and non-polar, with glutamine, which is neutral and polar, at codon 4103 of the ALMS1 protein (p.Leu4103Gln).

NM_001378454.1(ALMS1):c.12305T>A (p.Leu4102Gln)

Gene: ALMS1 (ALMS1 centrosome and basal body associated protein; plus strand). Cytogenetic location: 2p13.1.
Variant type: single nucleotide variant.
Coding change: c.12305T>A on transcript NM_001378454.1 (MANE Select); coding-DNA position 12305, T replaced by A.
Protein change: p.Leu4102Gln; replaces leucine 4102 with glutamine.
Molecular consequence: missense variant.
Genome position (GRCh38, 1-based): chr2:73,603,247, T>A. VCF-style: chr2-73603247-T-A. GRCh37 (hg19) VCF-style: chr2-73830374-T-A.
Other names: c.12308T>A, p.Leu4103Gln (NM_015120.4); short protein forms L4102Q, L4103Q.
Identifiers: ClinVar variation 2184204 (VCV002184204.4), dbSNP rs2466529569, ClinGen allele CA347271052.